The following is an entry in ClinVar:

ClinVar aggregate classification (germline): Likely benign (1 of 4 stars; one submission).

Allele frequency attached by ClinVar (database versions not stated): ExAC 0.00003; gnomAD 0.00003; TOPMed 0.00005.
gnomAD v4.1: 80 of 1,613,732 alleles (0.005%); highest among the groups gnomAD compares: Non-Finnish European, 0.0067%; no homozygotes.

Submission:

CeGaT Center for Human Genetics Tuebingen
Classification: Likely benign. Last evaluated: 2023-10-01. Review status: criteria provided, single submitter. Criteria: CeGaT Center For Human Genetics Tuebingen Variant Classification Criteria Version 2. Collection method: clinical testing. Allele origin: germline. Affected: yes. Observed: 1 variant allele.
Comment: ARID2: BP4

NM_152641.4(ARID2):c.1952A>C (p.Gln651Pro)

Gene: ARID2 (AT-rich interaction domain 2; plus strand). Cytogenetic location: 12q12.
Variant type: single nucleotide variant.
Coding change: c.1952A>C on transcript NM_152641.4 (MANE Select); coding-DNA position 1952, A replaced by C.
Protein change: p.Gln651Pro; replaces glutamine 651 with proline.
Molecular consequence: missense variant.
Genome position (GRCh38, 1-based): chr12:45,850,075, A>C. VCF-style: chr12-45850075-A-C. GRCh37 (hg19) VCF-style: chr12-46243858-A-C.
Other names: c.1952A>C, p.Gln651Pro (NM_001347839.2); short protein forms Q651P.
Identifiers: ClinVar variation 2642911 (VCV002642911.24), dbSNP rs771332266, ClinGen allele CA6526266.
Genomic context (GRCh38, chr12:45,850,075, plus strand): 5'-ACGTTTTCTTCATATTTTCAGGAATCCCTCATGGATCACAAACCATAGGAAACCATTTTC[A>C]GAGGACTCCTGTTGCCAACCAATCTTCAAATCTGACTGCAACACAAATGTCTTTTCCTGT-3'
Protein context (NP_689854.2, residues 641-661): HGSQTIGNHF[Gln651Pro]RTPVANQSSN